The following is an entry in ClinVar:

ClinVar aggregate classification (germline): Uncertain significance (1 of 4 stars; one submission).

Submission:

GeneDx
Classification: Uncertain significance. Last evaluated: 2022-11-29. Review status: criteria provided, single submitter. Criteria: GeneDx Variant Classification Process June 2021. Collection method: clinical testing. Allele origin: germline. Affected: yes.
Comment: Not observed at significant frequency in large population cohorts (gnomAD); In silico analysis supports that this missense variant has a deleterious effect on protein structure/function; Has not been previously published as pathogenic or benign to our knowledge

NM_006852.6(TLK2):c.2057C>T (p.Pro686Leu)

Gene: TLK2 (tousled like kinase 2; plus strand). Cytogenetic location: 17q23.2.
Variant type: single nucleotide variant.
Coding change: c.2057C>T on transcript NM_006852.6 (MANE Select); coding-DNA position 2057, C replaced by T.
Protein change: p.Pro686Leu; replaces proline 686 with leucine.
Molecular consequence: missense variant.
Genome position (GRCh38, 1-based): chr17:62,608,126, C>T. VCF-style: chr17-62608126-C-T. GRCh37 (hg19) VCF-style: chr17-60685487-C-T.
Other names: c.2123C>T, p.Pro708Leu (NM_001284333.3); c.1961C>T, p.Pro654Leu (NM_001284363.1, NM_001375272.1); c.1610C>T, p.Pro537Leu (NM_001330418.3, NM_001375273.1); c.2099C>T, p.Pro700Leu (NM_001375269.1); c.2057C>T, p.Pro686Leu (NM_001375270.1, NM_001375271.1); c.1772C>T, p.Pro591Leu (NM_001411074.1); short protein forms P537L, P591L, P654L, P686L, P700L, P708L.
Identifiers: ClinVar variation 2503230 (VCV002503230.1), dbSNP rs2546071989, ClinGen allele CA400515252.